The following is an entry in ClinVar:

ClinVar aggregate classification (germline): Conflicting classifications of pathogenicity. Review status: criteria provided, conflicting classifications (1 of 4 stars). 2 submissions from 2 submitters: Uncertain significance (1); Likely benign (1). Last evaluated 2025-12-19.

Conditions:
Hereditary cancer-predisposing syndrome. Also called: Neoplastic Syndromes, Hereditary; Tumor predisposition; Hereditary Cancer Syndrome; Hereditary neoplastic syndrome. Identifiers: Orphanet 140162, MedGen C0027672, MeSH D009386, MONDO:0015356.
Gorlin syndrome. Also called: Basal cell nevus syndrome; Nevoid Basal Cell Carcinoma Syndrome. Identifiers: Orphanet 377, MedGen C0004779, MONDO:0007187.

Allele frequency attached by ClinVar (database versions not stated): gnomAD 0.00003; gnomAD exomes below 0.00001 and 0.00001; TOPMed below 0.00001; ExAC 0.00002.
gnomAD v4.1: 6 of 1,613,408 alleles (0.00037%); highest among the groups gnomAD compares: Admixed American, 0.0017%; no homozygotes.

Submissions (2):

Ambry Genetics
Classification: Uncertain significance for Hereditary cancer-predisposing syndrome. Last evaluated: 2025-12-19. Review status: criteria provided, single submitter. Criteria: Ambry Variant Classification Scheme 2023. Collection method: clinical testing. Allele origin: germline.
Comment: The p.P1302S variant (also known as c.3904C>T), located in coding exon 23 of the PTCH1 gene, results from a C to T substitution at nucleotide position 3904. The proline at codon 1302 is replaced by serine, an amino acid with similar properties. This amino acid position is well conserved in available vertebrate species. In addition, this alteration is predicted to be tolerated by in silico analysis. Based on the available evidence, the clinical significance of this variant remains unclear.

Labcorp Genetics (formerly Invitae), Labcorp
Classification: Likely benign for Gorlin syndrome. Last evaluated: 2025-03-17. Review status: criteria provided, single submitter. Criteria: Invitae Variant Classification Sherloc (09022015). Collection method: clinical testing. Allele origin: germline.

NM_000264.5(PTCH1):c.3904C>T (p.Pro1302Ser)

Gene: PTCH1 (patched 1; minus strand). Cytogenetic location: 9q22.32.
Variant type: single nucleotide variant.
Coding change: c.3904C>T on transcript NM_000264.5 (MANE Select); coding-DNA position 3904, C replaced by T.
Protein change: p.Pro1302Ser; replaces proline 1302 with serine.
Molecular consequence: missense variant. On other transcripts: non-coding transcript variant (1).
Genome position (GRCh38, 1-based): chr9:95,447,352, G>A on the plus strand (C>T on the coding strand, the complement: PTCH1 is on the minus strand). VCF-style: chr9-95447352-G-A. GRCh37 (hg19) VCF-style: chr9-98209634-G-A.
Other names: c.3706C>T, p.Pro1236Ser (NM_001083602.3); c.3901C>T, p.Pro1301Ser (NM_001083603.3); c.3451C>T, p.Pro1151Ser (NM_001083604.3, NM_001083605.3, NM_001083606.3 and 1 more transcripts); c.3748C>T, p.Pro1250Ser (NM_001354918.2); c.3904C>T (NM_000264.3); short protein forms P1236S, P1250S, P1302S, P1301S, P1151S.
Identifiers: ClinVar variation 1427418 (VCV001427418.10), dbSNP rs747093389, ClinGen allele CA5138013.
Genomic context (GRCh38, chr9:95,447,352, plus strand): 5'-CGTCTCTGCGCGGTCTGTAGGGGGGTGGCCACAAGCCTTCTCTGGGGGGGTCCCTGCGGG[G>A]CTGCTGGCCTTGCCGTCCGGGAGGCAGGGACCCTGAGTCCAGGTGGGGCTGCTGTCTCGG-3'
Protein context (NP_000255.2, residues 1292-1312): SLPPGRQGQQ[Pro1302Ser]RRDPPREGLW